The following is an entry in ClinVar:

NM_007294.4(BRCA1):c.2026A>G (p.Thr676Ala)

Gene: BRCA1 (BRCA1 DNA repair associated; minus strand). Cytogenetic location: 17q21.31.
Variant type: single nucleotide variant.
Coding change: c.2026A>G on transcript NM_007294.4 (MANE Select); coding-DNA position 2026, A replaced by G.
Protein change: p.Thr676Ala; replaces threonine 676 with alanine.
Molecular consequence: missense variant. On other transcripts: intron variant (137).
Genome position (GRCh38, 1-based): chr17:43,093,505, T>C on the plus strand (A>G on the coding strand, the complement: BRCA1 is on the minus strand). VCF-style: chr17-43093505-T-C. GRCh37 (hg19) VCF-style: chr17-41245522-T-C.
Other names: c.1693A>G, p.Thr565Ala (NM_001407947.1, NM_001407948.1, NM_001407949.1 and 6 more transcripts); c.1690A>G, p.Thr564Ala (NM_001407954.1, NM_001407955.1, NM_001407956.1 and 1 more transcripts); c.1645A>G, p.Thr549Ala (NM_001407959.1, NM_001407960.1, NM_001407963.1); c.1642A>G, p.Thr548Ala (NM_001407962.1); c.1882A>G, p.Thr628Ala (NM_001407964.1, NM_001407740.1, NM_001407741.1 and 20 more transcripts); c.1522A>G, p.Thr508Ala (NM_001407965.1); c.1138A>G, p.Thr380Ala (NM_001407966.1, NM_001407967.1); c.1885A>G, p.Thr629Ala (NM_007297.4, NM_001407692.1, NM_001407694.1 and 29 more transcripts); and 40 more; short protein forms T676A, T629A, T548A, T564A, T605A, T380A, T508A, T565A.
Identifiers: ClinVar variation 926207 (VCV000926207.8), dbSNP rs1268006720, ClinGen allele CA10597958.

ClinVar aggregate classification (germline): Conflicting classifications of pathogenicity. Review status: criteria provided, conflicting classifications (1 of 4 stars). 3 submissions from 3 submitters: Uncertain significance (2); Likely benign (1). Last evaluated 2023-04-19.

Conditions:
Hereditary breast ovarian cancer syndrome. Also called: Hereditary breast and ovarian cancer syndrome; BRCA1- and BRCA2-Associated Hereditary Breast and Ovarian Cancer; Hereditary breast and ovarian cancer; Hereditary breast and ovarian cancer syndrome (HBOC); Breast and ovarian cancer; Hereditary breast and/or ovarian cancer syndrome. Identifiers: Orphanet 145, MedGen C0677776, MeSH D061325, MONDO:0003582. Disease mechanism: loss of function.
Hereditary cancer-predisposing syndrome. Also called: Neoplastic Syndromes, Hereditary; Tumor predisposition; Hereditary Cancer Syndrome; Hereditary neoplastic syndrome. Identifiers: Orphanet 140162, MedGen C0027672, MeSH D009386, MONDO:0015356.

Allele frequency attached by ClinVar (database versions not stated): gnomAD exomes below 0.00001.

Submissions (3):

Labcorp Genetics (formerly Invitae), Labcorp
Classification: Uncertain significance for Hereditary breast ovarian cancer syndrome. Last evaluated: 2023-04-19. Review status: criteria provided, single submitter. Criteria: Invitae Variant Classification Sherloc (09022015). Collection method: clinical testing. Allele origin: germline.
Comment: In summary, the available evidence is currently insufficient to determine the role of this variant in disease. Therefore, it has been classified as a Variant of Uncertain Significance. Advanced modeling of protein sequence and biophysical properties (such as structural, functional, and spatial information, amino acid conservation, physicochemical variation, residue mobility, and thermodynamic stability) performed at Invitae indicates that this missense variant is not expected to disrupt BRCA1 protein function. ClinVar contains an entry for this variant (Variation ID: 926207). This variant has not been reported in the literature in individuals affected with BRCA1-related conditions. This variant is present in population databases (no rsID available, gnomAD 0.0009%). This sequence change replaces threonine, which is neutral and polar, with alanine, which is neutral and non-polar, at codon 676 of the BRCA1 protein (p.Thr676Ala).

University of Washington Department of Laboratory Medicine, University of Washington
Classification: Likely benign for Hereditary cancer-predisposing syndrome. Last evaluated: 2023-03-23. Review status: criteria provided, single submitter. Criteria: Dines et al. (Genet Med. 2020). Collection method: curation. Allele origin: germline.
Comment: Missense variant in a coldspot region where missense variants are very unlikely to be pathogenic (PMID:31911673).

BRCA1 coldspot (exon 11 using historical exon numbering). Reclassification based on statistical prior probability

Color Diagnostics, LLC DBA Color Health
Classification: Uncertain significance for Hereditary cancer-predisposing syndrome. Last evaluated: 2019-04-08. Review status: criteria provided, single submitter. Criteria: ACMG Guidelines, 2015. Collection method: clinical testing. Allele origin: germline.